The following is an entry in ClinVar:

ClinVar aggregate classification (germline): Uncertain significance (1 of 4 stars; one submission).

Conditions:
Immunodeficiency 51 (IMD51). Also called: CANDIDIASIS, FAMILIAL, 5. Identifiers: Orphanet 1334, MedGen C4310803, MONDO:0013500, OMIM 613953.

Allele frequency attached by ClinVar (database versions not stated): gnomAD exomes 0.00001 and 0.00002; ExAC 0.00003.
gnomAD v4.1: 5 of 1,614,106 alleles (0.00031%); highest among the groups gnomAD compares: South Asian, 0.0055%; no homozygotes.

Submission:

Labcorp Genetics (formerly Invitae), Labcorp
Classification: Uncertain significance for Immunodeficiency 51. Last evaluated: 2021-03-30. Review status: criteria provided, single submitter. Criteria: Invitae Variant Classification Sherloc (09022015). Collection method: clinical testing. Allele origin: germline.
Comment: In summary, the available evidence is currently insufficient to determine the role of this variant in disease. Therefore, it has been classified as a Variant of Uncertain Significance. This sequence change replaces serine with proline at codon 302 of the IL17RA protein (p.Ser302Pro). The serine residue is weakly conserved and there is a moderate physicochemical difference between serine and proline. This variant is present in population databases (rs768923702, ExAC 0.02%). This variant has not been reported in the literature in individuals with IL17RA-related conditions. Algorithms developed to predict the effect of missense changes on protein structure and function output the following: SIFT: "Tolerated"; PolyPhen-2: "Benign"; Align-GVGD: "Class C0". The proline amino acid residue is found in multiple mammalian species, suggesting that this missense change does not adversely affect protein function. These predictions have not been confirmed by published functional studies and their clinical significance is uncertain.

NM_014339.7(IL17RA):c.904T>C (p.Ser302Pro)

Gene: IL17RA (interleukin 17 receptor A; plus strand). Cytogenetic location: 22q11.1.
Variant type: single nucleotide variant.
Coding change: c.904T>C on transcript NM_014339.7 (MANE Select); coding-DNA position 904, T replaced by C.
Protein change: p.Ser302Pro; replaces serine 302 with proline.
Molecular consequence: missense variant.
Genome position (GRCh38, 1-based): chr22:17,104,783, T>C. VCF-style: chr22-17104783-T-C. GRCh37 (hg19) VCF-style: chr22-17585673-T-C.
Other names: c.904T>C, p.Ser302Pro (NM_001289905.2); short protein forms S302P.
Identifiers: ClinVar variation 1435950 (VCV001435950.7), dbSNP rs768923702, ClinGen allele CA10086535.
Genomic context (GRCh38, chr22:17,104,783, plus strand): 5'-CAGATCCAGCCCTTCTTCAGCAGCTGCCTCAATGACTGCCTCAGACACTCCGCGACTGTT[T>C]CCTGCCCAGAAATGCCAGACACTCCAGGTAGGGGACATGCGGCTGTCCTAGGCCATACTG-3'
Protein context (NP_055154.3, residues 292-312): NDCLRHSATV[Ser302Pro]CPEMPDTPEP